The following is an entry in ClinVar:

ClinVar aggregate classification (germline): Uncertain significance (1 of 4 stars; one submission).

Submission:

Labcorp Genetics (formerly Invitae), Labcorp
Classification: Uncertain significance. Last evaluated: 2021-04-27. Review status: criteria provided, single submitter. Criteria: Invitae Variant Classification Sherloc (09022015). Collection method: clinical testing. Allele origin: germline.
Comment: In summary, the available evidence is currently insufficient to determine the role of this variant in disease. Therefore, it has been classified as a Variant of Uncertain Significance. Algorithms developed to predict the effect of missense changes on protein structure and function are either unavailable or do not agree on the potential impact of this missense change (SIFT: "Tolerated"; PolyPhen-2: "Probably Damaging"; Align-GVGD: "Class C0"). This variant has not been reported in the literature in individuals with PDE2A-related conditions. This variant is not present in population databases (ExAC no frequency). This sequence change replaces leucine with arginine at codon 407 of the PDE2A protein (p.Leu407Arg). The leucine residue is highly conserved and there is a moderate physicochemical difference between leucine and arginine.

NM_002599.5(PDE2A):c.1220T>G (p.Leu407Arg)

Genes: PDE2A-AS2 (PDE2A antisense RNA 2; plus strand), PDE2A (phosphodiesterase 2A; minus strand). Cytogenetic location: 11q13.4.
Variant type: single nucleotide variant.
Coding change: c.1220T>G on transcript NM_002599.5 (MANE Select); coding-DNA position 1220, T replaced by G.
Protein change: p.Leu407Arg; replaces leucine 407 with arginine.
Molecular consequence: missense variant.
Genome position (GRCh38, 1-based): chr11:72,585,556, A>C on the plus strand (T>G on the coding strand, the complement: PDE2A is on the minus strand). VCF-style: chr11-72585556-A-C. GRCh37 (hg19) VCF-style: chr11-72296600-A-C.
Other names: c.1199T>G, p.Leu400Arg (NM_001143839.4); c.1193T>G, p.Leu398Arg (NM_001146209.3); c.1157T>G, p.Leu386Arg (NM_001243784.2); short protein forms L400R, L407R, L386R, L398R.
Identifiers: ClinVar variation 1363730 (VCV001363730.8), dbSNP rs2135289176, ClinGen allele CA381759806.